The following is an entry in ClinVar:

NM_002764.4(PRPS1):c.446C>T (p.Pro149Leu)

Gene: PRPS1 (phosphoribosyl pyrophosphate synthetase 1; plus strand). Cytogenetic location: Xq22.3.
Variant type: single nucleotide variant.
Coding change: c.446C>T on transcript NM_002764.4 (MANE Select); coding-DNA position 446, C replaced by T.
Protein change: p.Pro149Leu; replaces proline 149 with leucine.
Molecular consequence: missense variant. On other transcripts: intron variant (1).
Genome position (GRCh38, 1-based): chrX:107,642,406, C>T. VCF-style: chrX-107642406-C-T. GRCh37 (hg19) VCF-style: chrX-106885636-C-T.
Other names: c.-82-2771C>T (NM_001204402.2); short protein forms P149L.
Identifiers: ClinVar variation 3573544 (VCV003573544.2).

ClinVar aggregate classification (germline): Uncertain significance (1 of 4 stars; one submission).

Submission:

GeneDx
Classification: Uncertain significance. Last evaluated: 2026-03-08. Review status: criteria provided, single submitter. Criteria: GeneDx Variant Classification Process June 2021. Collection method: clinical testing. Allele origin: germline.
Comment: Observed de novo in an individual undergoing whole exome sequencing due to an orofacial cleft; however, further clinical details were not provided (PMID: 32574564); De novo variant with confirmed parentage in unrelated patients referred for genetic testing at GeneDx with reported clinical features that are only partially consistent with the features typically observed in individuals with pathogenic variants in this gene; In silico analysis supports that this missense variant has a deleterious effect on protein structure/function; Not observed at significant frequency in large population cohorts (gnomAD); This variant is associated with the following publications: (PMID: 32574564)